The following is an entry in ClinVar:

NM_001034853.2(RPGR):c.2303G>A (p.Arg768His)

Gene: RPGR (retinitis pigmentosa GTPase regulator; minus strand). Cytogenetic location: Xp11.4.
Variant type: single nucleotide variant.
Coding change: c.2303G>A on transcript NM_001034853.2 (MANE Select); coding-DNA position 2303, G replaced by A.
Protein change: p.Arg768His; replaces arginine 768 with histidine.
Molecular consequence: missense variant. On other transcripts: intron variant (8).
Genome position (GRCh38, 1-based): chrX:38,286,696, C>T on the plus strand (G>A on the coding strand, the complement: RPGR is on the minus strand). VCF-style: chrX-38286696-C-T. GRCh37 (hg19) VCF-style: chrX-38145949-C-T.
Other names: c.1569+4263G>A (NM_001367249.1, NM_001367250.1); c.1902+398G>A (NM_001367245.1); c.1386+4263G>A (NM_001367251.1); c.1719+398G>A (NM_001367246.1); c.1572+4263G>A (NM_001367247.1); c.1905+398G>A (NM_000328.3); c.1602+4263G>A (NM_001367248.1); short protein forms R768H.
Identifiers: ClinVar variation 2117415 (VCV002117415.28), dbSNP rs1384034145, ClinGen allele CA412730963.

ClinVar aggregate classification (germline): Conflicting classifications of pathogenicity. Review status: criteria provided, conflicting classifications (1 of 4 stars). 2 submissions from 2 submitters: Uncertain significance (1); Likely benign (1). Last evaluated 2024-12-24.

Conditions:
Primary ciliary dyskinesia. Also called: Ciliary dyskinesia. Identifiers: Orphanet 244, MedGen C0008780, MONDO:0016575, HP:0012265.

gnomAD v4.1: 14 of 1,147,365 alleles (0.0012%); highest among the groups gnomAD compares: Admixed American, 0.0055%; no homozygotes.

Submissions (2):

Labcorp Genetics (formerly Invitae), Labcorp
Classification: Uncertain significance for Primary ciliary dyskinesia. Last evaluated: 2024-12-24. Review status: criteria provided, single submitter. Criteria: Invitae Variant Classification Sherloc (09022015). Collection method: clinical testing. Allele origin: germline.
Comment: This sequence change replaces arginine, which is basic and polar, with histidine, which is basic and polar, at codon 768 of the RPGR (ORF15) protein (p.Arg768His). This variant is present in population databases (no rsID available, gnomAD 0.01%). This variant has not been reported in the literature in individuals affected with RPGR (ORF15)-related conditions. ClinVar contains an entry for this variant (Variation ID: 2117415). Invitae Evidence Modeling of protein sequence and biophysical properties (such as structural, functional, and spatial information, amino acid conservation, physicochemical variation, residue mobility, and thermodynamic stability) indicates that this missense variant is not expected to disrupt RPGR (ORF15) protein function with a negative predictive value of 95%. In summary, the available evidence is currently insufficient to determine the role of this variant in disease. Therefore, it has been classified as a Variant of Uncertain Significance.

CeGaT Center for Human Genetics Tuebingen
Classification: Likely benign. Last evaluated: 2022-10-01. Review status: criteria provided, single submitter. Criteria: CeGaT Center For Human Genetics Tuebingen Variant Classification Criteria Version 2. Collection method: clinical testing. Allele origin: germline. Affected: yes. Observed: 1 variant allele.
Comment: RPGR: BP4, BS2